The following is an entry in ClinVar:

NM_007294.4(BRCA1):c.5153-11G>C

Gene: BRCA1 (BRCA1 DNA repair associated; minus strand). Cytogenetic location: 17q21.31.
Variant type: single nucleotide variant.
Coding change: c.5153-11G>C on transcript NM_007294.4 (MANE Select); 11 bases into the intron before coding-DNA position 5153, G replaced by C.
Molecular consequence: intron variant.
Genome position (GRCh38, 1-based): chr17:43,063,384, C>G on the plus strand (G>C on the coding strand, the complement: BRCA1 is on the minus strand). VCF-style: chr17-43063384-C-G. GRCh37 (hg19) VCF-style: chr17-41215401-C-G.
Other names: c.1700-11G>C (NM_001408458.1, NM_001408461.1, NM_001408464.1 and 7 more transcripts); c.4262-11G>C (NM_001407967.1); c.4772-11G>C (NM_001407959.1); c.4886-11G>C (NM_001407931.1, NM_001407932.1, NM_001407928.1 and 4 more transcripts); c.5009-11G>C (NM_001407747.1, NM_001407745.1, NM_001407737.1 and 21 more transcripts); c.4769-11G>C (NM_001407962.1, NM_001407960.1); c.1340-11G>C (NM_001408512.1); c.1463-11G>C (NM_001408510.1); and 72 more.
Identifiers: ClinVar variation 865057 (VCV000865057.3), dbSNP rs1057521674, ClinGen allele CA916080063.

Conditions:
Breast-ovarian cancer, familial, susceptibility to, 1 (BROVCA1). Also called: BRCA1 Hereditary Breast and Ovarian Cancer; OVARIAN CANCER, SUSCEPTIBILITY TO. Identifiers: Orphanet 145, MedGen C2676676, MONDO:0011450, OMIM 604370. Disease mechanism: loss of function.

Submission:

Brotman Baty Institute, University of Washington
No classification provided (evidence only). Condition: Breast-ovarian cancer, familial 1. Review status: no classification provided. Collection method: in vitro. Allele origin: not applicable. Functional consequence: functionally_normal.
ClinVar note: "not provided" was previously submitted as the classification for the variant. However, the classification appeared to be based only on an observation of functional data so it was converted to no classification on 2025-07-30.